The following is an entry in ClinVar:

NM_006623.4(PHGDH):c.1518G>A (p.Trp506Ter)

Gene: PHGDH (phosphoglycerate dehydrogenase; plus strand). Cytogenetic location: 1p12.
Variant type: single nucleotide variant.
Coding change: c.1518G>A on transcript NM_006623.4 (MANE Select); coding-DNA position 1518, G replaced by A.
Protein change: p.Trp506Ter; replaces tryptophan 506 with a stop codon.
Molecular consequence: nonsense.
Genome position (GRCh38, 1-based): chr1:119,743,956, G>A. VCF-style: chr1-119743956-G-A. GRCh37 (hg19) VCF-style: chr1-120286579-G-A.
Other names: short protein forms W506*.
Identifiers: ClinVar variation 2159326 (VCV002159326.5), dbSNP rs779159301, ClinGen allele CA1037480.

ClinVar aggregate classification (germline): Pathogenic/Likely pathogenic. Review status: criteria provided, multiple submitters, no conflicts (2 of 4 stars). 2 submissions from 2 submitters: Pathogenic (1); Likely pathogenic (1). Last evaluated 2025-01-13.

Conditions:
PHGDH deficiency. Identifiers: Orphanet 79351, MedGen C1866174, MONDO:0011152, OMIM 601815.
Neu-Laxova syndrome 1 (NLS1). Identifiers: Orphanet 2671, Orphanet 583607, MedGen C4551478, MONDO:0009736, OMIM 256520. Disease mechanism: loss of function.

Allele frequency attached by ClinVar (database versions not stated): ExAC 0.00001; gnomAD exomes 0.00001; TOPMed 0.00001.
gnomAD v4.1: 3 of 1,613,440 alleles (0.00019%); highest among the groups gnomAD compares: East Asian, 0.0022%; no homozygotes.

Submissions (2):

First Genomix Gene Laboratory, Genetic Diagnostics Department
Classification: Likely pathogenic for Neu-Laxova syndrome 1; PHGDH deficiency. Last evaluated: 2025-01-13. Review status: criteria provided, single submitter. Criteria: ACMG Guidelines, 2015. Collection method: clinical testing. Allele origin: germline. Inheritance: Autosomal recessive inheritance. Affected: no. Observed: 1 variant allele.

Labcorp Genetics (formerly Invitae), Labcorp
Classification: Pathogenic for PHGDH deficiency. Last evaluated: 2023-12-09. Review status: criteria provided, single submitter. Criteria: Invitae Variant Classification Sherloc (09022015). Collection method: clinical testing. Allele origin: germline.
Comment: This sequence change creates a premature translational stop signal (p.Trp506*) in the PHGDH gene. While this is not anticipated to result in nonsense mediated decay, it is expected to disrupt the last 28 amino acid(s) of the PHGDH protein. This variant is present in population databases (rs779159301, gnomAD 0.0009%). This premature translational stop signal has been observed in individual(s) with PHGDH-related conditions (PMID: 30348640). In at least one individual the data is consistent with being in trans (on the opposite chromosome) from a pathogenic variant. It has also been observed to segregate with disease in related individuals. ClinVar contains an entry for this variant (Variation ID: 2159326). This variant disrupts a region of the PHGDH protein in which other variant(s) (p.Ser513Phe) have been observed in individuals with PHGDH-related conditions (PMID: 28252636). This suggests that this is a clinically significant region of the protein, and that variants that disrupt it are likely to be disease-causing. For these reasons, this variant has been classified as Pathogenic.

Literature cited by the submitters: PubMed 30348640 (cited by Labcorp Genetics (formerly Invitae), Labcorp); PubMed 28252636 (cited by Labcorp Genetics (formerly Invitae), Labcorp).